The following is an entry in ClinVar:

ClinVar aggregate classification (germline): Uncertain significance (1 of 4 stars; one submission).

Conditions:
Hereditary cancer-predisposing syndrome. Also called: Hereditary neoplastic syndrome; Neoplastic Syndromes, Hereditary; Tumor predisposition; Hereditary Cancer Syndrome. Identifiers: Orphanet 140162, MedGen C0027672, MeSH D009386, MONDO:0015356.

Submission:

Ambry Genetics
Classification: Uncertain significance for Hereditary cancer-predisposing syndrome. Last evaluated: 2025-08-25. Review status: criteria provided, single submitter. Criteria: Ambry Variant Classification Scheme 2023. Collection method: clinical testing. Allele origin: germline.
Comment: The p.G247V variant (also known as c.740G>T), located in coding exon 7 of the NBN gene, results from a G to T substitution at nucleotide position 740. The glycine at codon 247 is replaced by valine, an amino acid with dissimilar properties. This amino acid position is conserved. In addition, this alteration is predicted to be deleterious by in silico analysis. Based on the available evidence, the clinical significance of this variant remains unclear.

NM_002485.5(NBN):c.740G>T (p.Gly247Val)

Gene: NBN (nibrin; minus strand). Cytogenetic location: 8q21.3.
Variant type: single nucleotide variant.
Coding change: c.740G>T on transcript NM_002485.5 (MANE Select); coding-DNA position 740, G replaced by T.
Protein change: p.Gly247Val; replaces glycine 247 with valine.
Molecular consequence: missense variant.
Genome position (GRCh38, 1-based): chr8:89,970,520, C>A on the plus strand (G>T on the coding strand, the complement: NBN is on the minus strand). VCF-style: chr8-89970520-C-A. GRCh37 (hg19) VCF-style: chr8-90982748-C-A.
Other names: c.494G>T, p.Gly165Val (NM_001024688.3, NM_001440379.1, NM_001440380.1); short protein forms G247V, G165V.
Identifiers: ClinVar variation 4117277 (VCV004117277.1).